The following is an entry in ClinVar:

ClinVar aggregate classification (germline): Pathogenic (1 of 4 stars; one submission).

Conditions:
Developmental and epileptic encephalopathy, 53. Also called: Epileptic encephalopathy, early infantile, 53. Identifiers: MedGen C4479313, MONDO:0033362, OMIM 617389.
Early-onset Parkinson disease 20. Also called: PARKINSON DISEASE 20, AUTOSOMAL RECESSIVE EARLY-ONSET. Identifiers: Orphanet 391411, MedGen C3809824, MONDO:0014233, OMIM 615530.

Allele frequency attached by ClinVar (database versions not stated): TOPMed 0.00001.

Submission:

Labcorp Genetics (formerly Invitae), Labcorp
Classification: Pathogenic for Developmental and epileptic encephalopathy, 53; Early-onset Parkinson disease 20. Last evaluated: 2022-07-06. Review status: criteria provided, single submitter. Criteria: Invitae Variant Classification Sherloc (09022015). Collection method: clinical testing. Allele origin: germline.
Comment: For these reasons, this variant has been classified as Pathogenic. ClinVar contains an entry for this variant (Variation ID: 1456091). This variant has not been reported in the literature in individuals affected with SYNJ1-related conditions. This variant is not present in population databases (gnomAD no frequency). This sequence change creates a premature translational stop signal (p.Arg289*) in the SYNJ1 gene. It is expected to result in an absent or disrupted protein product. Loss-of-function variants in SYNJ1 are known to be pathogenic (PMID: 25316601, 27435091).

Literature cited by the submitters: PubMed 25316601; PubMed 27435091.

NM_203446.3(SYNJ1):c.748C>T (p.Arg250Ter)

Gene: SYNJ1 (synaptojanin 1; minus strand). Cytogenetic location: 21q22.11.
Variant type: single nucleotide variant.
Coding change: c.748C>T on transcript NM_203446.3 (MANE Select); coding-DNA position 748, C replaced by T.
Protein change: p.Arg250Ter; replaces arginine 250 with a stop codon.
Molecular consequence: nonsense.
Genome position (GRCh38, 1-based): chr21:32,694,269, G>A on the plus strand (C>T on the coding strand, the complement: SYNJ1 is on the minus strand). VCF-style: chr21-32694269-G-A. GRCh37 (hg19) VCF-style: chr21-34066579-G-A.
Other names: c.748C>T, p.Arg250Ter (NM_001160302.2, NM_001160306.2); c.865C>T, p.Arg289Ter (NM_003895.4); short protein forms R289*, R250*.
Identifiers: ClinVar variation 1456091 (VCV001456091.6), dbSNP rs1160469053, ClinGen allele CA410097665.
Genomic context (GRCh38, chr21:32,694,269, plus strand): 5'-CTGAATGTCAAACACATACTTGCAACCCTGGTTGCTCCCAGAACAATGGAACAGATCCTC[G>A]GATTTGTATGAAGGAAGAAACTGAGTCATCTAAGTACACAACCTACAGAAAAAAAAATAA-3'